The following is an entry in ClinVar:

NM_004055.5(CAPN5):c.1322G>A (p.Ser441Asn)

Gene: CAPN5 (calpain 5; plus strand). Cytogenetic location: 11q13.5.
Variant type: single nucleotide variant.
Coding change: c.1322G>A on transcript NM_004055.5 (MANE Select); coding-DNA position 1322, G replaced by A.
Protein change: p.Ser441Asn; replaces serine 441 with asparagine.
Molecular consequence: missense variant. On other transcripts: non-coding transcript variant (1).
Genome position (GRCh38, 1-based): chr11:77,120,744, G>A. VCF-style: chr11-77120744-G-A. GRCh37 (hg19) VCF-style: chr11-76831790-G-A.
Other names: c.1442G>A, p.Ser481Asn (NM_001425321.1); c.1322G>A, p.Ser441Asn (NM_001425322.1); c.1190G>A, p.Ser397Asn (NM_001425323.1); short protein forms S397N, S441N, S481N.
Identifiers: ClinVar variation 3648805 (VCV003648805.2).

ClinVar aggregate classification (germline): Uncertain significance (1 of 4 stars; one submission).

Submission:

Labcorp Genetics (formerly Invitae), Labcorp
Classification: Uncertain significance. Last evaluated: 2024-04-11. Review status: criteria provided, single submitter. Criteria: Invitae Variant Classification Sherloc (09022015). Collection method: clinical testing. Allele origin: germline.
Comment: This sequence change replaces serine, which is neutral and polar, with asparagine, which is neutral and polar, at codon 441 of the CAPN5 protein (p.Ser441Asn). This variant is not present in population databases (gnomAD no frequency). This variant has not been reported in the literature in individuals affected with CAPN5-related conditions. Advanced modeling of protein sequence and biophysical properties (such as structural, functional, and spatial information, amino acid conservation, physicochemical variation, residue mobility, and thermodynamic stability) performed at Invitae indicates that this missense variant is not expected to disrupt CAPN5 protein function with a negative predictive value of 80%. In summary, the available evidence is currently insufficient to determine the role of this variant in disease. Therefore, it has been classified as a Variant of Uncertain Significance.